The following is an entry in ClinVar:

ClinVar aggregate classification (germline): Uncertain significance (1 of 4 stars; one submission).

Conditions:
Encephalopathy, acute, infection-induced (herpes-specific), susceptibility to, 6. Also called: Herpes simplex encephalitis, susceptibility to, 4. Identifiers: Orphanet 1930, MedGen C3553869, MONDO:0013921, OMIM 614850.

Allele frequency attached by ClinVar (database versions not stated): TOPMed 0.00001; gnomAD exomes 0.00002 and 0.00006; ExAC 0.00010; gnomAD 0.00001.

Submission:

Labcorp Genetics (formerly Invitae), Labcorp
Classification: Uncertain significance for Encephalopathy, acute, infection-induced (herpes-specific), susceptibility to, 6. Last evaluated: 2020-12-13. Review status: criteria provided, single submitter. Criteria: Invitae Variant Classification Sherloc (09022015). Collection method: clinical testing. Allele origin: germline.
Comment: In summary, the available evidence is currently insufficient to determine the role of this variant in disease. Therefore, it has been classified as a Variant of Uncertain Significance. Algorithms developed to predict the effect of missense changes on protein structure and function (SIFT, PolyPhen-2, Align-GVGD) all suggest that this variant is likely to be tolerated, but these predictions have not been confirmed by published functional studies and their clinical significance is uncertain. This variant has not been reported in the literature in individuals with TICAM1-related conditions. This variant is present in population databases (rs779250040, ExAC 0.02%). This sequence change replaces arginine with glutamine at codon 195 of the TICAM1 protein (p.Arg195Gln). The arginine residue is moderately conserved and there is a small physicochemical difference between arginine and glutamine.

NM_182919.4(TICAM1):c.584G>A (p.Arg195Gln)

Gene: TICAM1 (TIR domain containing adaptor molecule 1; minus strand). Cytogenetic location: 19p13.3.
Variant type: single nucleotide variant.
Coding change: c.584G>A on transcript NM_182919.4 (MANE Select); coding-DNA position 584, G replaced by A.
Protein change: p.Arg195Gln; replaces arginine 195 with glutamine.
Molecular consequence: missense variant. On other transcripts: 5 prime UTR variant (1).
Genome position (GRCh38, 1-based): chr19:4,817,794, C>T on the plus strand (G>A on the coding strand, the complement: TICAM1 is on the minus strand). VCF-style: chr19-4817794-C-T. GRCh37 (hg19) VCF-style: chr19-4817806-C-T.
Other names: c.542G>A, p.Arg181Gln (NM_001385678.1); c.449G>A, p.Arg150Gln (NM_001385679.1); c.-59G>A (NM_001385680.1); short protein forms R150Q, R181Q, R195Q.
Identifiers: ClinVar variation 1398418 (VCV001398418.6), dbSNP rs779250040, ClinGen allele CA9105321.